The following is an entry in ClinVar:

ClinVar aggregate classification (germline): Likely benign (1 of 4 stars; one submission).

gnomAD v4.1: 5 of 1,613,958 alleles (0.00031%); highest among the groups gnomAD compares: Non-Finnish European, 0.00042%; no homozygotes.

Submission:

Mayo Clinic Laboratories, Mayo Clinic
Classification: Likely benign. Last evaluated: 2025-10-24. Review status: criteria provided, single submitter. Criteria: ACMG Guidelines, 2015. Collection method: clinical testing. Allele origin: germline. Observed: 1 variant allele.
Comment: BP4, BP7

NM_020821.3(VPS13C):c.8163A>G (p.Lys2721=)

Gene: VPS13C (vacuolar protein sorting 13 homolog C; minus strand). Cytogenetic location: 15q22.2.
Variant type: single nucleotide variant.
Coding change: c.8163A>G on transcript NM_020821.3 (MANE Select); coding-DNA position 8163, A replaced by G.
Protein change: p.Lys2721=; no amino-acid change (lysine 2721 retained).
Molecular consequence: synonymous variant.
Genome position (GRCh38, 1-based): chr15:61,915,915, T>C on the plus strand (A>G on the coding strand, the complement: VPS13C is on the minus strand). VCF-style: chr15-61915915-T-C. GRCh37 (hg19) VCF-style: chr15-62208114-T-C.
Other names: p.Lys2721=; c.8163A>G, p.Lys2721= (NM_001018088.3); c.8034A>G, p.Lys2678= (NM_017684.5, NM_018080.4).
Identifiers: ClinVar variation 4683992 (VCV004683992.1).